The following is an entry in ClinVar:

ClinVar aggregate classification (germline): Likely pathogenic (1 of 4 stars; one submission).

Conditions:
KAT6B-related disorder. Also called: KAT6B-related disorders; KAT6B-related condition.

Submission:

3billion
Classification: Likely pathogenic for KAT6B-related disorder. Last evaluated: 2024-11-08. Review status: criteria provided, single submitter. Criteria: ACMG Guidelines, 2015. Collection method: clinical testing. Allele origin: germline. Affected: yes.
Comment: The variant is not observed in the gnomAD v4.1.0 dataset. Predicted Consequence/Location: Frameshift: predicted to result in a loss or disruption of normal protein function through protein truncation. The predicted truncated protein may be shortened by more than 10%. Therefore, this variant is classified as Likely pathogenic according to the recommendation of ACMG/AMP guideline.

NM_012330.4(KAT6B):c.4786del (p.His1596fs)

Gene: KAT6B (lysine acetyltransferase 6B; plus strand). Cytogenetic location: 10q22.2.
Variant type: Deletion.
Coding change: c.4786del on transcript NM_012330.4 (MANE Select); coding-DNA position 4786, one base deleted (C; older notation c.4786delC).
Protein change: p.His1596fs; shifts the reading frame from histidine 1596.
Molecular consequence: frameshift variant.
Genome position (GRCh38, 1-based): chr10:75,029,610, C deleted; the last of 2 consecutive C bases (chr10:75,029,609-75,029,610); deleting either gives the same sequence. VCF-style (leftmost placement, unchanged base first): chr10-75029608-AC-A. GRCh37 (hg19) VCF-style: chr10-76789366-AC-A.
Other names: c.4237del, p.His1413fs (NM_001256468.2, NM_001370138.1); c.3910del, p.His1304fs (NM_001256469.2, NM_001370139.1, NM_001370140.1 and 2 more transcripts); c.3748del, p.His1250fs (NM_001370132.1); c.3097del, p.His1033fs (NM_001370133.1); c.2701del, p.His901fs (NM_001370134.1); c.2443del, p.His815fs (NM_001370135.1); c.4786del, p.His1596fs (NM_001370136.1, NM_001370137.1); c.3721del, p.His1241fs (NM_001370143.1, NM_001370144.1); short protein forms H1033fs, H1241fs, H1250fs, H1304fs, H1413fs, H1596fs, H815fs, H901fs.
Identifiers: ClinVar variation 4294089 (VCV004294089.1).